The following is an entry in ClinVar:

ClinVar aggregate classification (germline): Uncertain significance. Review status: criteria provided, single submitter (1 of 4 stars). 2 submissions from 2 submitters: Uncertain significance (1). 1 of the submissions does not count toward it. Last evaluated 2024-05-06.

Conditions:
Prostate cancer, hereditary, 1 (HPC1). Identifiers: Orphanet 1331, MedGen C4722327, MONDO:0011098, OMIM 601518.
Hereditary cancer-predisposing syndrome. Also called: Neoplastic Syndromes, Hereditary; Tumor predisposition; Hereditary neoplastic syndrome; Hereditary Cancer Syndrome. Identifiers: Orphanet 140162, MedGen C0027672, MeSH D009386, MONDO:0015356.

Submissions (2):

Ambry Genetics
Classification: Uncertain significance for Hereditary cancer-predisposing syndrome. Last evaluated: 2024-05-06. Review status: criteria provided, single submitter. Criteria: Ambry Variant Classification Scheme 2023. Collection method: clinical testing. Allele origin: germline.
Comment: The p.N26K variant (also known as c.78T>A), located in coding exon 1 of the HOXB13 gene, results from a T to A substitution at nucleotide position 78. The asparagine at codon 26 is replaced by lysine, an amino acid with similar properties. This amino acid position is conserved. In addition, this alteration is predicted to be tolerated by in silico analysis. Based on the available evidence, the clinical significance of this variant remains unclear.

Laboratory of Virology, Microbiology,  Quality and Medical Biotechnologies, Faculty of Sciences and Techniques - Mohammedia, Hassan II University of Casablanca
Classification: Uncertain significance for Prostate cancer, hereditary, 1. Review status: no assertion criteria provided. Collection method: clinical testing. Allele origin: somatic. Affected: yes. Not counted in ClinVar's aggregate classification.

NM_006361.6(HOXB13):c.78T>A (p.Asn26Lys)

Gene: HOXB13 (homeobox B13; minus strand). Cytogenetic location: 17q21.32.
Variant type: single nucleotide variant.
Coding change: c.78T>A on transcript NM_006361.6 (MANE Select); coding-DNA position 78, T replaced by A.
Protein change: p.Asn26Lys; replaces asparagine 26 with lysine.
Molecular consequence: missense variant.
Genome position (GRCh38, 1-based): chr17:48,728,516, A>T on the plus strand (T>A on the coding strand, the complement: HOXB13 is on the minus strand). VCF-style: chr17-48728516-A-T. GRCh37 (hg19) VCF-style: chr17-46805878-A-T.
Other names: short protein forms N26K.
Identifiers: ClinVar variation 690963 (VCV000690963.3), dbSNP rs1597935187, ClinGen allele CA400109556.